The following is an entry in ClinVar:

NM_000431.4(MVK):c.372-8_381dup

Gene: MVK (mevalonate kinase; plus strand). Cytogenetic location: 12q24.11.
Variant type: Duplication.
Coding change: c.372-8_381dup on transcript NM_000431.4 (MANE Select); 8 bases into the intron before coding-DNA position 372 through coding-DNA position 381, 18 bases duplicated (TGTTTCAGGGCCCTGCCG).
Molecular consequence: splice acceptor variant. On other transcripts: intron variant (2).
Genome position (GRCh38, 1-based): chr12:109,581,387-109,581,404, TGTTTCAGGGCCCTGCCG duplicated; duplicating any 18 consecutive bases within chr12:109,581,386-109,581,404 gives the same sequence; the c. name uses the placement nearest the transcript's 3' end. VCF-style (leftmost placement, unchanged base first): chr12-109581385-T-TGTGTTTCAGGGCCCTGCC. GRCh37 (hg19) VCF-style: chr12-110019190-T-TGTGTTTCAGGGCCCTGCC.
Other names: c.372-8_381dup (NM_001414511.1, NM_001414512.1, NM_001414513.1 and 1 more transcripts); c.371+1441_371+1458dup (NM_001414514.1, NM_001301182.2); c.-211-8_-202dup (NM_001414515.1).
Identifiers: ClinVar variation 3389908 (VCV003389908.14).
Genomic context (GRCh38, chr12:109,581,385, plus strand): 5'-GCCCCTGGTTCAGTGCTGGCACCCCACTGCCCTGCGGGAGAGTCACGTTTCACACCCTGG[T>TGTGTTTCAGGGCCCTGCC]GTGTTTCAGGGCCCTGCCGAGCCTGGATATCGTAGTGTGGTCGGAGCTGCCCCCCGGGGC-3'

ClinVar aggregate classification (germline): Uncertain significance (1 of 4 stars; one submission).

Submission:

CeGaT Center for Human Genetics Tuebingen
Classification: Uncertain significance. Last evaluated: 2024-10-01. Review status: criteria provided, single submitter. Criteria: CeGaT Center For Human Genetics Tuebingen Variant Classification Criteria Version 2. Collection method: clinical testing. Allele origin: germline. Affected: yes. Observed: 1 variant allele.
Comment: MVK: PM2, PM4